The following is an entry in ClinVar:

NM_000159.4(GCDH):c.561C>A (p.Asp187Glu)

Gene: GCDH (glutaryl-CoA dehydrogenase; plus strand). Cytogenetic location: 19p13.13.
Variant type: single nucleotide variant.
Coding change: c.561C>A on transcript NM_000159.4 (MANE Select); coding-DNA position 561, C replaced by A.
Protein change: p.Asp187Glu; replaces aspartic acid 187 with glutamic acid.
Molecular consequence: missense variant. On other transcripts: non-coding transcript variant (2).
Genome position (GRCh38, 1-based): chr19:12,896,047, C>A. VCF-style: chr19-12896047-C-A. GRCh37 (hg19) VCF-style: chr19-13006861-C-A.
Other names: c.561C>A, p.Asp187Glu (NM_013976.5); short protein forms D187E.
Identifiers: ClinVar variation 2631758 (VCV002631758.4), dbSNP rs377580992, ClinGen allele CA9234432.

ClinVar aggregate classification (germline): Pathogenic/Likely pathogenic. Review status: criteria provided, multiple submitters, no conflicts (2 of 4 stars). 2 submissions from 2 submitters: Pathogenic (1); Likely pathogenic (1). Last evaluated 2023-08-29.

Conditions:
GCDH-related disorder. Also called: GCDH-related condition.
Glutaric aciduria, type 1. Also called: Glutaric acidemia type I; Glutaricacidemia Type 1; GA I; Glutaryl-CoA dehydrogenase deficiency; Glutaricaciduria, type I; Glutaric Acidemia Type 1. Identifiers: Orphanet 25, MedGen C0268595, MONDO:0009281, OMIM 231670.

Allele frequency attached by ClinVar (database versions not stated): TOPMed below 0.00001; ExAC 0.00001; gnomAD 0.00001; ESP Exome Variant Server 0.00008.
gnomAD v4.1: 1 of 1,613,910 alleles (0.000062%); highest among the groups gnomAD compares: Non-Finnish European, 0.000085%; no homozygotes.

Submissions (2):

PreventionGenetics, part of Exact Sciences
Classification: Likely pathogenic for GCDH-related condition. Last evaluated: 2023-08-29. Review status: criteria provided, single submitter. Criteria: ACMG Guidelines, 2015. Collection method: clinical testing. Allele origin: germline.
Comment: The GCDH c.561C>A variant is predicted to result in the amino acid substitution p.Asp187Glu. This variant has been reported in the homozygous state in two apparently unrelated individuals with glutaric acidemia 1 (Table S2, Boy et al. 2018. PubMed ID: 29665094; Table 2, Kılavuz et al. 2021. PubMed ID: 33578440). This variant is reported in 0.00088% of alleles in individuals of European (Non-Finnish) descent in gnomAD. This variant is interpreted as likely pathogenic.

Labcorp Genetics (formerly Invitae), Labcorp
Classification: Pathogenic for Glutaric aciduria, type 1. Last evaluated: 2023-07-07. Review status: criteria provided, single submitter. Criteria: Invitae Variant Classification Sherloc (09022015). Collection method: clinical testing. Allele origin: germline.
Comment: For these reasons, this variant has been classified as Pathogenic. Advanced modeling of protein sequence and biophysical properties (such as structural, functional, and spatial information, amino acid conservation, physicochemical variation, residue mobility, and thermodynamic stability) performed at Invitae indicates that this missense variant is expected to disrupt GCDH protein function. This missense change has been observed in individual(s) with glutaric acidemia type I (PMID: 29665094, 33578440). This variant is present in population databases (rs377580992, gnomAD 0.0009%). This sequence change replaces aspartic acid, which is acidic and polar, with glutamic acid, which is acidic and polar, at codon 187 of the GCDH protein (p.Asp187Glu).

Literature cited by the submitters: PubMed 29665094 (cited by Labcorp Genetics (formerly Invitae), Labcorp); PubMed 33578440 (cited by Labcorp Genetics (formerly Invitae), Labcorp).